The following is an entry in ClinVar:

NM_014208.3(DSPP):c.3411C>A (p.Asp1137Glu)

Genes: DMP1-AS1 (DMP1 and DSPP antisense RNA 1; minus strand), DSPP (dentin sialophosphoprotein; plus strand). Cytogenetic location: 4q22.1.
Variant type: single nucleotide variant.
Coding change: c.3411C>A on transcript NM_014208.3 (MANE Select); coding-DNA position 3411, C replaced by A.
Protein change: p.Asp1137Glu; replaces aspartic acid 1137 with glutamic acid.
Molecular consequence: missense variant.
Genome position (GRCh38, 1-based): chr4:87,616,073, C>A. VCF-style: chr4-87616073-C-A. GRCh37 (hg19) VCF-style: chr4-88537225-C-A.
Other names: short protein forms D1137E.
Identifiers: ClinVar variation 4681357 (VCV004681357.5).

ClinVar aggregate classification (germline): Likely benign (1 of 4 stars; one submission).

Submission:

CeGaT Center for Human Genetics Tuebingen
Classification: Likely benign. Last evaluated: 2025-12-01. Review status: criteria provided, single submitter. Criteria: CeGaT Center For Human Genetics Tuebingen Variant Classification Criteria Version 2. Collection method: clinical testing. Allele origin: germline. Affected: yes. Observed: 1 variant allele.
Comment: DSPP: BP4, BS2